The following is an entry in ClinVar:

NM_025179.4(PLXNA2):c.2961C>A (p.Val987=)

Gene: PLXNA2 (plexin A2; minus strand). Cytogenetic location: 1q32.2.
Variant type: single nucleotide variant.
Coding change: c.2961C>A on transcript NM_025179.4 (MANE Select); coding-DNA position 2961, C replaced by A.
Protein change: p.Val987=; no amino-acid change (valine 987 retained).
Molecular consequence: synonymous variant.
Genome position (GRCh38, 1-based): chr1:208,052,359, G>T on the plus strand (C>A on the coding strand, the complement: PLXNA2 is on the minus strand). VCF-style: chr1-208052359-G-T. GRCh37 (hg19) VCF-style: chr1-208225704-G-T.
Other names: c.2961C>A (NM_025179.3).
Identifiers: ClinVar variation 1897360 (VCV001897360.6), dbSNP rs777465361, ClinGen allele CA1373343.

ClinVar aggregate classification (germline): Likely benign. Review status: criteria provided, single submitter (1 of 4 stars). 2 submissions from 2 submitters: Likely benign (1). 1 of the submissions does not count toward it. Last evaluated 2022-10-19.

Conditions:
PLXNA2-related disorder. Also called: PLXNA2-related condition.

Allele frequency attached by ClinVar (database versions not stated): gnomAD exomes 0.00001; ExAC 0.00003.
gnomAD v4.1: 10 of 1,613,548 alleles (0.00062%); highest among the groups gnomAD compares: Non-Finnish European, 0.00085%; no homozygotes.

Submissions (2):

Labcorp Genetics (formerly Invitae), Labcorp
Classification: Likely benign. Last evaluated: 2022-10-19. Review status: criteria provided, single submitter. Criteria: Invitae Variant Classification Sherloc (09022015). Collection method: clinical testing. Allele origin: germline.

PreventionGenetics, part of Exact Sciences
Classification: Likely benign for PLXNA2-related condition. Last evaluated: 2024-04-23. Review status: no assertion criteria provided. Collection method: clinical testing. Allele origin: germline. Not counted in ClinVar's aggregate classification.
Comment: This variant is classified as likely benign based on ACMG/AMP sequence variant interpretation guidelines (Richards et al. 2015 PMID: 25741868, with internal and published modifications).